The following is an entry in ClinVar:

ClinVar aggregate classification (germline): Uncertain significance (1 of 4 stars; one submission).

Allele frequency attached by ClinVar (database versions not stated): ExAC 0.00004; gnomAD exomes 0.00004; TOPMed 0.00009; gnomAD 0.00014 and 0.00016; ESP Exome Variant Server 0.00023.
gnomAD v4.1: 39 of 1,609,304 alleles (0.0024%); highest among the groups gnomAD compares: African/African-American, 0.051%; no homozygotes.

Submission:

Labcorp Genetics (formerly Invitae), Labcorp
Classification: Uncertain significance. Last evaluated: 2025-07-14. Review status: criteria provided, single submitter. Criteria: Invitae Variant Classification Sherloc (09022015). Collection method: clinical testing. Allele origin: germline.
Comment: This sequence change falls in intron 6 of the CTR9 gene. It does not directly change the encoded amino acid sequence of the CTR9 protein. It affects a nucleotide within the consensus splice site. This variant is present in population databases (rs367762632, gnomAD 0.05%). This variant has not been reported in the literature in individuals affected with CTR9-related conditions. ClinVar contains an entry for this variant (Variation ID: 1004636). Variants that disrupt the consensus splice site are a relatively common cause of aberrant splicing (PMID: 17576681, 9536098). Algorithms developed to predict the effect of sequence changes on RNA splicing suggest that this variant is not likely to affect RNA splicing. In summary, the available evidence is currently insufficient to determine the role of this variant in disease. Therefore, it has been classified as a Variant of Uncertain Significance.

Literature cited by the submitters: PubMed 17576681; PubMed 9536098.

NM_014633.5(CTR9):c.741+3A>G

Gene: CTR9 (CTR9 component of Paf1/RNA polymerase II complex; plus strand). Cytogenetic location: 11p15.4.
Variant type: single nucleotide variant.
Coding change: c.741+3A>G on transcript NM_014633.5 (MANE Select); 3 bases into the intron after coding-DNA position 741, A replaced by G.
Molecular consequence: intron variant.
Genome position (GRCh38, 1-based): chr11:10,760,324, A>G. VCF-style: chr11-10760324-A-G. GRCh37 (hg19) VCF-style: chr11-10781871-A-G.
Other names: c.741+3A>G (NM_001346279.2).
Identifiers: ClinVar variation 1004636 (VCV001004636.6), dbSNP rs367762632, ClinGen allele CA5884935.
Genomic context (GRCh38, chr11:10,760,324, plus strand): 5'-TTCCAAATGCGTGGGAGCATTGGTTGGACTGGCTGTTCTAGAACTCAACAATAAAGAGGT[A>G]TGTAAATGAAAAAAGTATCTAGCTCCTAACTGCTTTGTCAGGCCCACAGCCTCTTATCTA-3'